The following is an entry in ClinVar:

NM_001144061.2(COPB1):c.813C>G (p.Leu271=)

Gene: COPB1 (coat protein complex I subunit beta 1; minus strand). Cytogenetic location: 11p15.2.
Variant type: single nucleotide variant.
Coding change: c.813C>G on transcript NM_001144061.2 (MANE Select); coding-DNA position 813, C replaced by G.
Protein change: p.Leu271=; no amino-acid change (leucine 271 retained).
Molecular consequence: synonymous variant.
Genome position (GRCh38, 1-based): chr11:14,486,391, G>C on the plus strand (C>G on the coding strand, the complement: COPB1 is on the minus strand). VCF-style: chr11-14486391-G-C. GRCh37 (hg19) VCF-style: chr11-14507937-G-C.
Other names: c.813C>G, p.Leu271= (NM_001144062.2, NM_016451.5).
Identifiers: ClinVar variation 2641623 (VCV002641623.25), dbSNP rs139547283, ClinGen allele CA5895038.

ClinVar aggregate classification (germline): Likely benign. Review status: criteria provided, multiple submitters, no conflicts (2 of 4 stars). 2 submissions from 2 submitters: Likely benign (2). Last evaluated 2025-08-01.

Allele frequency attached by ClinVar (database versions not stated): 1000 Genomes Project 0.00040; 1000 Genomes Project 30x 0.00047; ESP Exome Variant Server 0.00062; gnomAD 0.00072.
gnomAD v4.1: 1,505 of 1,614,136 alleles (0.093%); highest among the groups gnomAD compares: Middle Eastern, 0.13%; 2 homozygotes.

Submissions (2):

CeGaT Center for Human Genetics Tuebingen
Classification: Likely benign. Last evaluated: 2025-08-01. Review status: criteria provided, single submitter. Criteria: CeGaT Center For Human Genetics Tuebingen Variant Classification Criteria Version 2. Collection method: clinical testing. Allele origin: germline. Affected: yes. Observed: 4 variant alleles.
Comment: COPB1: BP4, BP7

Blueprint Genetics
Classification: Likely benign. Last evaluated: 2024-09-26. Review status: criteria provided, single submitter. Criteria: ACMG Guidelines, 2015. Collection method: clinical testing. Allele origin: germline.